The following is an entry in ClinVar:

NM_000059.4(BRCA2):c.1198C>G (p.Leu400Val)

Gene: BRCA2 (BRCA2 DNA repair associated; plus strand). Cytogenetic location: 13q13.1.
Variant type: single nucleotide variant.
Coding change: c.1198C>G on transcript NM_000059.4 (MANE Select); coding-DNA position 1198, C replaced by G.
Protein change: p.Leu400Val; replaces leucine 400 with valine.
Molecular consequence: missense variant.
Genome position (GRCh38, 1-based): chr13:32,332,676, C>G. VCF-style: chr13-32332676-C-G. GRCh37 (hg19) VCF-style: chr13-32906813-C-G.
Other names: short protein forms L400V.
Identifiers: ClinVar variation 1692103 (VCV001692103.7), dbSNP rs1413065373, ClinGen allele CA387762050.

ClinVar aggregate classification (germline): Conflicting classifications of pathogenicity. Review status: criteria provided, conflicting classifications (1 of 4 stars). 5 submissions from 5 submitters: Uncertain significance (3); Likely benign (2). Last evaluated 2026-04-28.

Conditions:
Hereditary cancer-predisposing syndrome. Also called: Hereditary Cancer Syndrome; Neoplastic Syndromes, Hereditary; Hereditary neoplastic syndrome; Tumor predisposition. Identifiers: Orphanet 140162, MedGen C0027672, MeSH D009386, MONDO:0015356.
Breast-ovarian cancer, familial, susceptibility to, 2 (BROVCA2). Also called: BRCA2 Hereditary Breast and Ovarian Cancer. Identifiers: Orphanet 145, MedGen C2675520, MONDO:0012933, OMIM 612555. Disease mechanism: loss of function.

Submissions (5):

Ambry Genetics
Classification: Uncertain significance for Hereditary cancer-predisposing syndrome. Last evaluated: 2026-04-28. Review status: criteria provided, single submitter. Criteria: Ambry Variant Classification Scheme 2023. Collection method: clinical testing. Allele origin: germline.
Comment: The p.L400V variant (also known as c.1198C>G), located in coding exon 9 of the BRCA2 gene, results from a C to G substitution at nucleotide position 1198. The leucine at codon 400 is replaced by valine, an amino acid with highly similar properties. This amino acid position is conserved. In addition, this alteration is predicted to be tolerated by in silico analysis. Based on the available evidence, the clinical significance of this variant remains unclear.

Center for Genomic Medicine, Rigshospitalet, Copenhagen University Hospital
Classification: Likely benign. Last evaluated: 2025-03-04. Review status: criteria provided, single submitter. Criteria: ACMG Guidelines, 2015. Collection method: clinical testing. Allele origin: germline.

All of Us Research Program, National Institutes of Health
Classification: Uncertain significance for Breast-ovarian cancer, familial, susceptibility to, 2. Last evaluated: 2023-12-18. Review status: criteria provided, single submitter. Criteria: ACMG Guidelines, 2015. Collection method: clinical testing. Allele origin: germline. Inheritance: Autosomal dominant inheritance. Observed: 1 variant allele, 1 heterozygote.
Comment: This missense variant replaces leucine with valine at codon 400 of the BRCA2 protein. Computational prediction suggests that this variant may not impact protein structure and function (internally defined REVEL score threshold <= 0.5, PMID: 27666373). To our knowledge, functional studies have not been reported for this variant. This variant has not been reported in individuals affected with BRCA2-related disorders in the literature. This variant has not been identified in the general population by the Genome Aggregation Database (gnomAD). The available evidence is insufficient to determine the role of this variant in disease conclusively. Therefore, this variant is classified as a Variant of Uncertain Significance.

This study involves interpretation of variants in research participants for the purpose of population health screening. Participant phenotype was not available at the time of variant classification. Additional details can be found in publication PMID: 35346344, PMCID: PMC8962531

University of Washington Department of Laboratory Medicine, University of Washington
Classification: Likely benign for Hereditary cancer-predisposing syndrome. Last evaluated: 2023-03-23. Review status: criteria provided, single submitter. Criteria: Dines et al. (Genet Med. 2020). Collection method: curation. Allele origin: germline.
Comment: Missense variant in a coldspot region where missense variants are very unlikely to be pathogenic (PMID:31911673).

BRCA2 exon 10 coldspot. Reclassification based on statistical prior probability.

Sema4
Classification: Uncertain significance for Hereditary cancer-predisposing syndrome. Last evaluated: 2021-05-20. Review status: criteria provided, single submitter. Criteria: Sema4 Curation Guidelines. Collection method: curation. Allele origin: germline.
Comment: The BRCA2 c.1198C>G (p.L400V) variant has not been reported in the literature to our knowledge. It was not observed in the large and broad cohorts of the Genome Aggregation Database. The variant has not been reported in ClinVar. In silico tools suggest the impact of the variant on protein function is inconclusive, though these predictions have not been confirmed by functional studies. The evidence is insufficient to meet ACMG/AMP criteria for classifying the variant as benign or pathogenic. Thus, the clinical significance of this variant is currently uncertain.